The following is an entry in ClinVar:

ClinVar aggregate classification (germline): Uncertain significance. Review status: criteria provided, multiple submitters, no conflicts (2 of 4 stars). 2 submissions from 2 submitters: Uncertain significance (2). Last evaluated 2024-12-02.

Conditions:
Inborn genetic diseases. Identifiers: MedGen C0950123, MeSH D030342.

Allele frequency attached by ClinVar (database versions not stated): gnomAD exomes 0.00001 and 0.00002; TOPMed 0.00001; ExAC 0.00002; gnomAD 0.00002 and 0.00003.
gnomAD v4.1: 22 of 1,612,970 alleles (0.0014%); highest among the groups gnomAD compares: East Asian, 0.0022%; no homozygotes.

Submissions (2):

Labcorp Genetics (formerly Invitae), Labcorp
Classification: Uncertain significance. Last evaluated: 2024-12-02. Review status: criteria provided, single submitter. Criteria: Invitae Variant Classification Sherloc (09022015). Collection method: clinical testing. Allele origin: germline.
Comment: This sequence change replaces valine, which is neutral and non-polar, with methionine, which is neutral and non-polar, at codon 287 of the DVL3 protein (p.Val287Met). This variant is present in population databases (rs750502107, gnomAD 0.004%). This variant has not been reported in the literature in individuals affected with DVL3-related conditions. ClinVar contains an entry for this variant (Variation ID: 1014810). Invitae Evidence Modeling of protein sequence and biophysical properties (such as structural, functional, and spatial information, amino acid conservation, physicochemical variation, residue mobility, and thermodynamic stability) indicates that this missense variant is expected to disrupt DVL3 protein function with a positive predictive value of 80%. In summary, the available evidence is currently insufficient to determine the role of this variant in disease. Therefore, it has been classified as a Variant of Uncertain Significance.

Ambry Genetics
Classification: Uncertain significance for Inborn genetic diseases. Last evaluated: 2024-08-14. Review status: criteria provided, single submitter. Criteria: Ambry Variant Classification Scheme 2023. Collection method: clinical testing. Allele origin: germline.

NM_004423.4(DVL3):c.859G>A (p.Val287Met)

Gene: DVL3 (dishevelled segment polarity protein 3; plus strand). Cytogenetic location: 3q27.1.
Variant type: single nucleotide variant.
Coding change: c.859G>A on transcript NM_004423.4 (MANE Select); coding-DNA position 859, G replaced by A.
Protein change: p.Val287Met; replaces valine 287 with methionine.
Molecular consequence: missense variant.
Genome position (GRCh38, 1-based): chr3:184,166,221, G>A. VCF-style: chr3-184166221-G-A. GRCh37 (hg19) VCF-style: chr3-183884009-G-A.
Other names: c.859G>A (NM_004423.3); short protein forms V287M.
Identifiers: ClinVar variation 1014810 (VCV001014810.6), dbSNP rs750502107, ClinGen allele CA2727259.